The following is an entry in ClinVar:

NM_015559.3(SETBP1):c.4132T>A (p.Leu1378Ile)

Gene: SETBP1 (SET binding protein 1; plus strand). Cytogenetic location: 18q12.3.
Variant type: single nucleotide variant.
Coding change: c.4132T>A on transcript NM_015559.3 (MANE Select); coding-DNA position 4132, T replaced by A.
Protein change: p.Leu1378Ile; replaces leucine 1378 with isoleucine.
Molecular consequence: missense variant.
Genome position (GRCh38, 1-based): chr18:45,038,616, T>A. VCF-style: chr18-45038616-T-A. GRCh37 (hg19) VCF-style: chr18-42618581-T-A.
Other names: c.4132T>A, p.Leu1378Ile (NM_001379141.1, NM_001379142.1); c.4132T>A (NM_015559.2); short protein forms L1378I.
Identifiers: ClinVar variation 1418273 (VCV001418273.7), dbSNP rs374527037, ClinGen allele CA8946085.

ClinVar aggregate classification (germline): Uncertain significance. Review status: criteria provided, multiple submitters, no conflicts (2 of 4 stars). 2 submissions from 2 submitters: Uncertain significance (2). Last evaluated 2025-05-17.

Conditions:
Inborn genetic diseases. Identifiers: MedGen C0950123, MeSH D030342.

Allele frequency attached by ClinVar (database versions not stated): gnomAD exomes below 0.00001; ExAC 0.00001; TOPMed 0.00001; ESP Exome Variant Server 0.00008.
gnomAD v4.1: 2 of 1,614,158 alleles (0.00012%); highest among the groups gnomAD compares: Middle Eastern, 0.016%; no homozygotes.

Submissions (2):

Ambry Genetics
Classification: Uncertain significance for Inborn genetic diseases. Last evaluated: 2025-05-17. Review status: criteria provided, single submitter. Criteria: Ambry Variant Classification Scheme 2023. Collection method: clinical testing. Allele origin: germline.

Labcorp Genetics (formerly Invitae), Labcorp
Classification: Uncertain significance. Last evaluated: 2024-02-24. Review status: criteria provided, single submitter. Criteria: Invitae Variant Classification Sherloc (09022015). Collection method: clinical testing. Allele origin: germline.
Comment: This sequence change replaces leucine, which is neutral and non-polar, with isoleucine, which is neutral and non-polar, at codon 1378 of the SETBP1 protein (p.Leu1378Ile). This variant is present in population databases (rs374527037, gnomAD 0.0009%). This variant has not been reported in the literature in individuals affected with SETBP1-related conditions. ClinVar contains an entry for this variant (Variation ID: 1418273). Advanced modeling of protein sequence and biophysical properties (such as structural, functional, and spatial information, amino acid conservation, physicochemical variation, residue mobility, and thermodynamic stability) performed at Invitae indicates that this missense variant is not expected to disrupt SETBP1 protein function with a negative predictive value of 80%. In summary, the available evidence is currently insufficient to determine the role of this variant in disease. Therefore, it has been classified as a Variant of Uncertain Significance.